The following is an entry in ClinVar:

NM_152866.3(MS4A1):c.853del (p.Asp285fs)

Gene: MS4A1 (membrane spanning 4-domains A1; plus strand). Cytogenetic location: 11q12.2.
Variant type: Deletion.
Coding change: c.853del on transcript NM_152866.3 (MANE Select); coding-DNA position 853, one base deleted (G; older notation c.853delG).
Protein change: p.Asp285fs; shifts the reading frame from aspartic acid 285.
Molecular consequence: frameshift variant.
Genome position (GRCh38, 1-based): chr11:60,468,427, G deleted. VCF-style (leftmost placement, unchanged base first): chr11-60468426-AG-A. GRCh37 (hg19) VCF-style: chr11-60235899-AG-A.
Other names: c.853del, p.Asp285fs (NM_021950.4, NM_152867.2); short protein forms D285fs.
Identifiers: ClinVar variation 4722754 (VCV004722754.1).

ClinVar aggregate classification (germline): Uncertain significance (1 of 4 stars; one submission).

Submission:

Labcorp Genetics (formerly Invitae), Labcorp
Classification: Uncertain significance. Last evaluated: 2025-07-06. Review status: criteria provided, single submitter. Criteria: Invitae Variant Classification Sherloc (09022015). Collection method: clinical testing. Allele origin: germline.
Comment: This sequence change creates a premature translational stop signal (p.Asp285Ilefs*7) in the MS4A1 gene. While this is not anticipated to result in nonsense mediated decay, it is expected to disrupt the last 13 amino acid(s) of the MS4A1 protein. This variant is not present in population databases (gnomAD no frequency). This variant has not been reported in the literature in individuals affected with MS4A1-related conditions. Experimental studies and prediction algorithms are not available or were not evaluated, and the functional significance of this variant is currently unknown. In summary, the available evidence is currently insufficient to determine the role of this variant in disease. Therefore, it has been classified as a Variant of Uncertain Significance.